The following is an entry in ClinVar:

ClinVar aggregate classification (germline): Uncertain significance. Review status: criteria provided, multiple submitters, no conflicts (2 of 4 stars). 2 submissions from 2 submitters: Uncertain significance (2). Last evaluated 2024-01-08.

Conditions:
Inborn genetic diseases. Identifiers: MedGen C0950123, MeSH D030342.

gnomAD v4.1: 3 of 1,612,644 alleles (0.00019%); highest among the groups gnomAD compares: East Asian, 0.0022%; no homozygotes.

Submissions (2):

Ambry Genetics
Classification: Uncertain significance for Inborn genetic diseases. Last evaluated: 2024-01-08. Review status: criteria provided, single submitter. Criteria: Ambry Variant Classification Scheme 2023. Collection method: clinical testing. Allele origin: germline.

Labcorp Genetics (formerly Invitae), Labcorp
Classification: Uncertain significance. Last evaluated: 2022-06-13. Review status: criteria provided, single submitter. Criteria: Invitae Variant Classification Sherloc (09022015). Collection method: clinical testing. Allele origin: germline.
Comment: This sequence change replaces alanine, which is neutral and non-polar, with serine, which is neutral and polar, at codon 779 of the LRP2 protein (p.Ala779Ser). This variant is present in population databases (no rsID available, gnomAD 0.006%). This variant has not been reported in the literature in individuals affected with LRP2-related conditions. Advanced modeling of protein sequence and biophysical properties (such as structural, functional, and spatial information, amino acid conservation, physicochemical variation, residue mobility, and thermodynamic stability) performed at Invitae indicates that this missense variant is not expected to disrupt LRP2 protein function. In summary, the available evidence is currently insufficient to determine the role of this variant in disease. Therefore, it has been classified as a Variant of Uncertain Significance.

NM_004525.3(LRP2):c.2335G>T (p.Ala779Ser)

Gene: LRP2 (LDL receptor related protein 2; minus strand). Cytogenetic location: 2q31.1.
Variant type: single nucleotide variant.
Coding change: c.2335G>T on transcript NM_004525.3 (MANE Select); coding-DNA position 2335, G replaced by T.
Protein change: p.Ala779Ser; replaces alanine 779 with serine.
Molecular consequence: missense variant.
Genome position (GRCh38, 1-based): chr2:169,259,203, C>A on the plus strand (G>T on the coding strand, the complement: LRP2 is on the minus strand). VCF-style: chr2-169259203-C-A. GRCh37 (hg19) VCF-style: chr2-170115713-C-A.
Other names: c.2335G>T (NM_004525.2); short protein forms A779S.
Identifiers: ClinVar variation 1499508 (VCV001499508.6), dbSNP rs759066438, ClinGen allele CA349158708.